The following is an entry in ClinVar:

NM_017777.4(MKS1):c.1284C>T (p.Thr428=)

Gene: MKS1 (MKS transition zone complex subunit 1; minus strand). Cytogenetic location: 17q22.
Variant type: single nucleotide variant.
Coding change: c.1284C>T on transcript NM_017777.4 (MANE Select); coding-DNA position 1284, C replaced by T.
Protein change: p.Thr428=; no amino-acid change (threonine 428 retained).
Molecular consequence: synonymous variant. On other transcripts: intron variant (1).
Genome position (GRCh38, 1-based): chr17:58,207,208, G>A on the plus strand (C>T on the coding strand, the complement: MKS1 is on the minus strand). VCF-style: chr17-58207208-G-A. GRCh37 (hg19) VCF-style: chr17-56284569-G-A.
Other names: c.675C>T, p.Thr225= (NM_001321268.2); c.1284C>T, p.Thr428= (NM_001321269.2); c.1273+686C>T (NM_001330397.2); c.1284C>T (NM_017777.3).
Identifiers: ClinVar variation 1580522 (VCV001580522.9), dbSNP rs761247194, ClinGen allele CA8669175.
Genomic context (GRCh38, chr17:58,207,208, plus strand): 5'-AAACCTCCTCAGCTCAGCCACCGTGCCAAGCTCCACAGGTCTCCACGTGGAGACTGTCAG[G>A]GTGTGTGAGCCTGCGCAAGGGAAGAGAAGACTGGGGCCAGGTCCAGAAAGGGCATGTGGC-3'
Protein context (NP_060247.2, residues 418-438): VVLPATPGSH[Thr428=]LTVSTWRPVE

ClinVar aggregate classification (germline): Likely benign. Review status: criteria provided, single submitter (1 of 4 stars). 2 submissions from 2 submitters: Likely benign (1). 1 of the submissions does not count toward it. Last evaluated 2025-04-10.

Conditions:
MKS1-related disorder. Also called: MKS1-related condition; MKS1-related disorders. Identifiers: MedGen CN239382.
Joubert syndrome. Also called: JOUBERT-BOLTSHAUSER SYNDROME; Familial aplasia of the vermis. Identifiers: Orphanet 475, MedGen C5979921, MONDO:0018772.
Meckel-Gruber syndrome. Also called: DYSENCEPHALIA SPLANCHNOCYSTICA; GRUBER SYNDROME; Dysencephalia splachnocystica. Identifiers: Orphanet 564, MedGen C0265215, MONDO:0018921.

Allele frequency attached by ClinVar (database versions not stated): ExAC 0.00001; gnomAD exomes 0.00001 and 0.00002.

Submissions (2):

Labcorp Genetics (formerly Invitae), Labcorp
Classification: Likely benign for Joubert syndrome; Meckel-Gruber syndrome. Last evaluated: 2025-04-10. Review status: criteria provided, single submitter. Criteria: Invitae Variant Classification Sherloc (09022015). Collection method: clinical testing. Allele origin: germline.

PreventionGenetics, part of Exact Sciences
Classification: Likely benign for MKS1-related condition. Last evaluated: 2022-05-06. Review status: no assertion criteria provided. Collection method: clinical testing. Allele origin: germline. Not counted in ClinVar's aggregate classification.
Comment: This variant is classified as likely benign based on ACMG/AMP sequence variant interpretation guidelines (Richards et al. 2015 PMID: 25741868, with internal and published modifications).